The following is an entry in ClinVar:

NM_019594.4(LRRC8A):c.2114G>A (p.Gly705Asp)

Gene: LRRC8A (leucine rich repeat containing 8 VRAC subunit A; plus strand). Cytogenetic location: 9q34.11.
Variant type: single nucleotide variant.
Coding change: c.2114G>A on transcript NM_019594.4 (MANE Select); coding-DNA position 2114, G replaced by A.
Protein change: p.Gly705Asp; replaces glycine 705 with aspartic acid.
Molecular consequence: missense variant.
Genome position (GRCh38, 1-based): chr9:128,909,278, G>A. VCF-style: chr9-128909278-G-A. GRCh37 (hg19) VCF-style: chr9-131671557-G-A.
Other names: c.2114G>A, p.Gly705Asp (NM_001127244.2, NM_001127245.2); short protein forms G705D.
Identifiers: ClinVar variation 2788695 (VCV002788695.3), dbSNP rs754146417, ClinGen allele CA5270994.

ClinVar aggregate classification (germline): Uncertain significance (1 of 4 stars; one submission).

Allele frequency attached by ClinVar (database versions not stated): gnomAD 0.00001; ExAC 0.00002.
gnomAD v4.1: 6 of 1,613,708 alleles (0.00037%); highest among the groups gnomAD compares: South Asian, 0.0066%; no homozygotes.

Submission:

Labcorp Genetics (formerly Invitae), Labcorp
Classification: Uncertain significance. Last evaluated: 2023-06-22. Review status: criteria provided, single submitter. Criteria: Invitae Variant Classification Sherloc (09022015). Collection method: clinical testing. Allele origin: germline.
Comment: In summary, the available evidence is currently insufficient to determine the role of this variant in disease. Therefore, it has been classified as a Variant of Uncertain Significance. An algorithm developed to predict the effect of missense changes on protein structure and function (PolyPhen-2) suggests that this variant is likely to be disruptive. This variant has not been reported in the literature in individuals affected with LRRC8A-related conditions. This variant is present in population databases (rs754146417, gnomAD 0.006%). This sequence change replaces glycine, which is neutral and non-polar, with aspartic acid, which is acidic and polar, at codon 705 of the LRRC8A protein (p.Gly705Asp).